The following is an entry in ClinVar:

NM_018341.3(ERMARD):c.961-62T>C

Gene: ERMARD (ER membrane associated RNA degradation; plus strand). Cytogenetic location: 6q27.
Variant type: single nucleotide variant.
Coding change: c.961-62T>C on transcript NM_018341.3 (MANE Select); 62 bases into the intron before coding-DNA position 961, T replaced by C.
Molecular consequence: intron variant.
Genome position (GRCh38, 1-based): chr6:169,766,576, T>C. VCF-style: chr6-169766576-T-C. GRCh37 (hg19) VCF-style: chr6-170166672-T-C.
Other names: c.961-62T>C (NM_001278531.2, NM_001278533.2); c.583-62T>C (NM_001278532.2).
Identifiers: ClinVar variation 680098 (VCV000680098.2), dbSNP rs13199463, ClinGen allele CA152142439.
Genomic context (GRCh38, chr6:169,766,576, plus strand): 5'-TGTTTTAACAAAAAACTTTGGGATGTGTGGCCATGTACCAGAATTTTTTCTTATTTTGCA[T>C]AGTGTTAGTGTATTTGTATTTTGCTTTAATTGTTTATTTTCATTTCTTTCCTTTTCTGAA-3'

ClinVar aggregate classification (germline): Likely benign. Review status: criteria provided, multiple submitters, no conflicts (2 of 4 stars). 2 submissions from 2 submitters: Likely benign (2). Last evaluated 2018-06-16.

Allele frequency attached by ClinVar (database versions not stated): 1000 Genomes Project 0.00958; 1000 Genomes Project 30x 0.00984; gnomAD 0.01951 and 0.02011; TOPMed 0.01966; ESP Exome Variant Server 0.02112; gnomAD exomes 0.02616.
gnomAD v4.1: 34,753 of 1,373,702 alleles (2.5%); highest among the groups gnomAD compares: Non-Finnish European, 3%; 542 homozygotes.

Submissions (2):

GeneDx
Classification: Likely benign. Last evaluated: 2018-06-16. Review status: criteria provided, single submitter. Criteria: GeneDx Variant Classification (06012015). Collection method: clinical testing. Allele origin: germline. Affected: yes.
Comment: This variant is considered likely benign or benign based on one or more of the following criteria: it is a conservative change, it occurs at a poorly conserved position in the protein, it is predicted to be benign by multiple in silico algorithms, and/or has population frequency not consistent with disease.

Breakthrough Genomics
Classification: Likely benign. Review status: criteria provided, single submitter. Criteria: ACMG Guidelines, 2015. Collection method: not provided. Allele origin: germline. Inheritance: Autosomal dominant inheritance. Affected: yes.